The following is an entry in ClinVar:

ClinVar aggregate classification (germline): Conflicting classifications of pathogenicity. Review status: criteria provided, conflicting classifications (1 of 4 stars). 4 submissions from 4 submitters: Uncertain significance (1); Benign (1); Likely benign (1). 1 of the submissions does not count toward it. Last evaluated 2026-01-05.

Conditions:
TUBGCP6-related disorder. Also called: TUBGCP6-related condition.

Allele frequency attached by ClinVar (database versions not stated): gnomAD exomes 0.00018 and 0.00031; ExAC 0.00042; ESP Exome Variant Server 0.00131; gnomAD 0.00146 and 0.00153; 1000 Genomes Project 0.00180.
gnomAD v4.1: 504 of 1,611,396 alleles (0.031%); highest among the groups gnomAD compares: African/African-American, 0.57%; 1 homozygote.

Submissions (4):

Labcorp Genetics (formerly Invitae), Labcorp
Classification: Likely benign. Last evaluated: 2026-01-05. Review status: criteria provided, single submitter. Criteria: Invitae Variant Classification Sherloc (09022015). Collection method: clinical testing. Allele origin: germline.

Blueprint Genetics
Classification: Benign. Last evaluated: 2024-08-26. Review status: criteria provided, single submitter. Criteria: ACMG Guidelines, 2015. Collection method: clinical testing. Allele origin: germline.

Genetic Services Laboratory, University of Chicago
Classification: Uncertain significance. Last evaluated: 2016-02-24. Review status: criteria provided, single submitter. Criteria: ACMG Guidelines, 2015. Collection method: clinical testing. Allele origin: germline. Affected: no.

PreventionGenetics, part of Exact Sciences
Classification: Likely benign for TUBGCP6-related condition. Last evaluated: 2020-12-21. Review status: no assertion criteria provided. Collection method: clinical testing. Allele origin: germline. Not counted in ClinVar's aggregate classification.
Comment: This variant is classified as likely benign based on ACMG/AMP sequence variant interpretation guidelines (Richards et al. 2015 PMID: 25741868, with internal and published modifications).

NM_020461.4(TUBGCP6):c.3490G>A (p.Val1164Met)

Gene: TUBGCP6 (tubulin gamma complex component 6; minus strand). Cytogenetic location: 22q13.33.
Variant type: single nucleotide variant.
Coding change: c.3490G>A on transcript NM_020461.4 (MANE Select); coding-DNA position 3490, G replaced by A.
Protein change: p.Val1164Met; replaces valine 1164 with methionine.
Molecular consequence: missense variant.
Genome position (GRCh38, 1-based): chr22:50,220,869, C>T on the plus strand (G>A on the coding strand, the complement: TUBGCP6 is on the minus strand). VCF-style: chr22-50220869-C-T. GRCh37 (hg19) VCF-style: chr22-50659298-C-T.
Other names: short protein forms V1164M.
Identifiers: ClinVar variation 437147 (VCV000437147.18), dbSNP rs9628306, ClinGen allele CA10307931.
Genomic context (GRCh38, chr22:50,220,869, plus strand): 5'-GTGGCCGGGCGGGAGCCATGTCTGACACAGACTCCCCCAAGCTGATGCTGGCATCGGACA[C>T]GTGTCCATGGGTGTTCCACCGTGGCCGGGTGGGAGCCACGTCCGACACGTTCTCCCCAAC-3'
Protein context (NP_065194.3, residues 1154-1174): TRPRWNTHGH[Val1164Met]SDASISLGES